The following is an entry in ClinVar:

ClinVar aggregate classification (germline): Uncertain significance. Review status: criteria provided, multiple submitters, no conflicts (2 of 4 stars). 2 submissions from 2 submitters: Uncertain significance (2). Last evaluated 2023-12-21.

Conditions:
Charcot-Marie-Tooth disease axonal type 2C (HMSN2C). Also called: Charcot-Marie-Tooth Disease Type 2, TRPV4-Related (CMT2C); CHARCOT-MARIE-TOOTH DISEASE, AXONAL, AUTOSOMAL DOMINANT, TYPE 2C; Charcot-Marie-Tooth Neuropathy Type 2C. Identifiers: Orphanet 99937, MedGen C1853710, MONDO:0011633, OMIM 606071.

Allele frequency attached by ClinVar (database versions not stated): gnomAD exomes below 0.00001.
gnomAD v4.1: 2 of 1,614,162 alleles (0.00012%); highest among the groups gnomAD compares: Non-Finnish European, 0.00017%; no homozygotes.

Submissions (2):

GeneDx
Classification: Uncertain significance. Last evaluated: 2023-12-21. Review status: criteria provided, single submitter. Criteria: GeneDx Variant Classification Process June 2021. Collection method: clinical testing. Allele origin: germline. Affected: yes.
Comment: Not observed at significant frequency in large population cohorts (gnomAD); In silico analysis supports that this missense variant has a deleterious effect on protein structure/function; Has not been previously published as pathogenic or benign to our knowledge

Labcorp Genetics (formerly Invitae), Labcorp
Classification: Uncertain significance for Charcot-Marie-Tooth disease axonal type 2C. Last evaluated: 2023-06-24. Review status: criteria provided, single submitter. Criteria: Invitae Variant Classification Sherloc (09022015). Collection method: clinical testing. Allele origin: germline.
Comment: This variant has not been reported in the literature in individuals affected with TRPV4-related conditions. In summary, the available evidence is currently insufficient to determine the role of this variant in disease. Therefore, it has been classified as a Variant of Uncertain Significance. An algorithm developed to predict the effect of missense changes on protein structure and function (PolyPhen-2) suggests that this variant is likely to be disruptive. This variant is not present in population databases (gnomAD no frequency). This sequence change replaces valine, which is neutral and non-polar, with methionine, which is neutral and non-polar, at codon 780 of the TRPV4 protein (p.Val780Met).

NM_021625.5(TRPV4):c.2338G>A (p.Val780Met)

Gene: TRPV4 (transient receptor potential cation channel subfamily V member 4; minus strand). Cytogenetic location: 12q24.11.
Variant type: single nucleotide variant.
Coding change: c.2338G>A on transcript NM_021625.5 (MANE Select); coding-DNA position 2338, G replaced by A.
Protein change: p.Val780Met; replaces valine 780 with methionine.
Molecular consequence: missense variant.
Genome position (GRCh38, 1-based): chr12:109,784,436, C>T on the plus strand (G>A on the coding strand, the complement: TRPV4 is on the minus strand). VCF-style: chr12-109784436-C-T. GRCh37 (hg19) VCF-style: chr12-110222241-C-T.
Other names: c.2197G>A, p.Val733Met (NM_001177428.2); c.2236G>A, p.Val746Met (NM_001177431.2); c.2017G>A, p.Val673Met (NM_001177433.2); c.2158G>A, p.Val720Met (NM_147204.3); short protein forms V673M, V733M, V780M, V720M, V746M.
Identifiers: ClinVar variation 2727167 (VCV002727167.4), dbSNP rs545217522, ClinGen allele CA243494856.
Genomic context (GRCh38, chr12:109,784,436, plus strand): 5'-CCGGGTCCTCGTTGATGATGCCCAAGTTCTGGTTCCAGTGAGACCAGTTCACCTCATCCA[C>T]CCTGGCAGGGCCCAAGCAGAGGGTCATGGGGAACCCCTCAGAGACGCTCTCCATGCCACC-3'
Protein context (NP_067638.3, residues 770-790): GTPDRRWCFR[Val780Met]DEVNWSHWNQ